The following is an entry in ClinVar:

NM_003000.3(SDHB):c.644C>A (p.Ala215Asp)

Gene: SDHB (succinate dehydrogenase complex iron sulfur subunit B; minus strand). Cytogenetic location: 1p36.13.
Variant type: single nucleotide variant.
Coding change: c.644C>A on transcript NM_003000.3 (MANE Select); coding-DNA position 644, C replaced by A.
Protein change: p.Ala215Asp; replaces alanine 215 with aspartic acid.
Molecular consequence: missense variant.
Genome position (GRCh38, 1-based): chr1:17,022,729, G>T on the plus strand (C>A on the coding strand, the complement: SDHB is on the minus strand). VCF-style: chr1-17022729-G-T. GRCh37 (hg19) VCF-style: chr1-17349224-G-T.
Other names: short protein forms A215D.
Identifiers: ClinVar variation 826411 (VCV000826411.10), dbSNP rs1060503761, ClinGen allele CA338270521.

ClinVar aggregate classification (germline): Conflicting classifications of pathogenicity. Review status: criteria provided, conflicting classifications (1 of 4 stars). 2 submissions from 2 submitters: Likely pathogenic (1); Uncertain significance (1). Last evaluated 2026-04-29.

Conditions:
Pheochromocytoma/paraganglioma syndrome 4. Also called: CAROTID BODY TUMORS AND MULTIPLE EXTRAADRENAL PHEOCHROMOCYTOMAS; SDHB-Related Hereditary Paraganglioma-Pheochromocytoma Syndrome (Paragangliomas 4); SDHB-Related Hereditary Paraganglioma-Pheochromocytoma Syndrome; PARAGANGLIOMA, FAMILIAL MALIGNANT; PARAGANGLIOMAS, HEREDITARY EXTRAADRENAL; PHEOCHROMOCYTOMA, FAMILIAL EXTRAADRENAL. Identifiers: Orphanet 29072, MedGen C1861848, MONDO:0007273, OMIM 115310.
Gastrointestinal stromal tumor. Also called: Gastrointestinal stromal tumor, somatic; Gastrointestinal stroma tumor. Identifiers: Orphanet 44890, MedGen C0238198, MeSH D046152, MONDO:0011719, OMIM 606764, HP:0100723.
Pheochromocytoma. Also called: MAX-Related Hereditary Paraganglioma-Pheochromocytoma Syndrome. Identifiers: Orphanet 29072, MedGen C0031511, MONDO:0008233, OMIM 171300, HP:0002666.
Hereditary cancer-predisposing syndrome. Also called: Neoplastic Syndromes, Hereditary; Tumor predisposition; Hereditary Cancer Syndrome; Hereditary neoplastic syndrome. Identifiers: Orphanet 140162, MedGen C0027672, MeSH D009386, MONDO:0015356.

Submissions (2):

Ambry Genetics
Classification: Likely pathogenic for Hereditary cancer-predisposing syndrome. Last evaluated: 2026-04-29. Review status: criteria provided, single submitter. Criteria: Ambry Variant Classification Scheme 2023. Collection method: clinical testing. Allele origin: germline.
Comment: The p.A215D variant (also known as c.644C>A), located in coding exon 7 of the SDHB gene, results from a C to A substitution at nucleotide position 644. The alanine at codon 215 is replaced by aspartic acid, an amino acid with dissimilar properties. This variant was reported in individual(s) with features consistent with SDHB-related hereditary pheochromocytoma-paraganglioma (Ambry internal data). This amino acid position is highly conserved in available vertebrate species. In addition, this alteration is predicted to be deleterious by in silico analysis. This variant is considered to be rare based on population cohorts in the Genome Aggregation Database (gnomAD). Based on the majority of available evidence to date, this variant is likely to be pathogenic.

Labcorp Genetics (formerly Invitae), Labcorp
Classification: Uncertain significance for Gastrointestinal stromal tumor; Pheochromocytoma/paraganglioma syndrome 4; Pheochromocytoma. Last evaluated: 2022-06-18. Review status: criteria provided, single submitter. Criteria: Invitae Variant Classification Sherloc (09022015). Collection method: clinical testing. Allele origin: germline.
Comment: In summary, the available evidence is currently insufficient to determine the role of this variant in disease. Therefore, it has been classified as a Variant of Uncertain Significance. Algorithms developed to predict the effect of missense changes on protein structure and function (SIFT, PolyPhen-2, Align-GVGD) all suggest that this variant is likely to be disruptive. ClinVar contains an entry for this variant (Variation ID: 826411). This variant has not been reported in the literature in individuals affected with SDHB-related conditions. This variant is not present in population databases (gnomAD no frequency). This sequence change replaces alanine, which is neutral and non-polar, with aspartic acid, which is acidic and polar, at codon 215 of the SDHB protein (p.Ala215Asp).

Literature cited by the submitters: PubMed 21979946 (cited by Ambry Genetics).